The following is an entry in ClinVar:

ClinVar aggregate classification (germline): Conflicting classifications of pathogenicity. Review status: criteria provided, conflicting classifications (1 of 4 stars). 5 submissions from 5 submitters: Pathogenic (2); Uncertain significance (1). 2 of the submissions do not count toward it. Last evaluated 2022-05-04.

Conditions:
CELA2A-related disorder. Also called: CELA2A-related condition.
Abdominal obesity-metabolic syndrome 4 (AOMS4). Identifiers: MedGen C5231430, MONDO:0032837, OMIM 618620.
Hypertriglyceridemia. Also called: Hypertriglyceridaemia. Identifiers: MedGen C0813230, MONDO:0005347, HP:0002155.
Diabetes. Identifiers: MedGen C1320657.
Coronary artery disorder. Also called: Coronary artery disease; Disorder of coronary artery. Identifiers: MedGen C1956346, MeSH D003324, MONDO:0005010.
Hypertensive disorder. Also called: Hypertension. Identifiers: MedGen C0020538, MONDO:0005044, HP:0000822.

Allele frequency attached by ClinVar (database versions not stated): TOPMed 0.00006; gnomAD 0.00007 and 0.00011; ESP Exome Variant Server 0.00008; gnomAD exomes 0.00011 and 0.00021; ExAC 0.00022; 1000 Genomes Project 30x 0.00031; 1000 Genomes Project 0.00040.
gnomAD v4.1: 177 of 1,613,696 alleles (0.011%); highest among the groups gnomAD compares: South Asian, 0.11%; 2 homozygotes.

Submissions (5):

Mendelics
Classification: Pathogenic for Abdominal obesity-metabolic syndrome 4. Last evaluated: 2022-05-04. Review status: criteria provided, single submitter. Criteria: Mendelics Assertion Criteria 2019. Collection method: clinical testing. Allele origin: germline.

Juno Genomics, Hangzhou Juno Genomics, Inc
Classification: Uncertain significance for Abdominal obesity-metabolic syndrome 4. Review status: criteria provided, single submitter. Criteria: ACMG Guidelines, 2015. Collection method: clinical testing. Allele origin: germline.
Comment: Absent from controls (or at extremely low frequency if recessive) in Genome Aggregation Database.;Patient's phenotype or family history is highly specific for a disease with a single genetic etiology.;Well-established in vitro or in vivo functional studies supportive of a damaging effect on the gene or gene product.

Neuberg Centre For Genomic Medicine, NCGM
Classification: Pathogenic for Abdominal obesity-metabolic syndrome 4. Review status: criteria provided, single submitter. Criteria: ACMG Guidelines, 2015. Collection method: clinical testing. Allele origin: germline. Inheritance: Autosomal dominant inheritance. Affected: yes.

PreventionGenetics, part of Exact Sciences
Classification: Likely pathogenic for CELA2A-related condition. Last evaluated: 2024-02-29. Review status: no assertion criteria provided. Collection method: clinical testing. Allele origin: germline. Not counted in ClinVar's aggregate classification.
Comment: The CELA2A c.209C>T variant is predicted to result in the amino acid substitution p.Thr70Met. This variant has been reported in an individual with early-onset coronary artery disease (Esteghamat F et al. 2019. PubMed ID: 31358993). In vitro functional studies show this variant impacts protein function (Esteghamat F et al. 2019. PubMed ID: 31358993). This variant is reported in 0.11% of alleles in individuals of East Asian descent in gnomAD. This variant is interpreted as likely pathogenic.

Mani Lab, Yale Cardiovascular Research Center, Yale University
Classification: Pathogenic for Coronary artery disease; Diabetes; Hypertriglyceridemia; Hypertension. Last evaluated: 2017-01-01. Review status: no assertion criteria provided. Collection method: research. Allele origin: germline. Inheritance: Autosomal dominant inheritance. Affected: yes. Not counted in ClinVar's aggregate classification.

Literature cited by the submitters: PubMed 31358993 (cited by Mani Lab, Yale Cardiovascular Research Center, Yale University).

NM_033440.3(CELA2A):c.209C>T (p.Thr70Met)

Gene: CELA2A (chymotrypsin like elastase 2A; plus strand). Cytogenetic location: 1p36.21.
Variant type: single nucleotide variant.
Coding change: c.209C>T on transcript NM_033440.3 (MANE Select); coding-DNA position 209, C replaced by T.
Protein change: p.Thr70Met; replaces threonine 70 with methionine.
Molecular consequence: missense variant.
Genome position (GRCh38, 1-based): chr1:15,461,640, C>T. VCF-style: chr1-15461640-C-T. GRCh37 (hg19) VCF-style: chr1-15788135-C-T.
Other names: c.209C>T (NM_033440.2); short protein forms T70M.
Identifiers: ClinVar variation 633595 (VCV000633595.7), dbSNP rs372947070, ClinGen allele CA613601.